The following is an entry in ClinVar:

ClinVar aggregate classification (germline): Conflicting classifications of pathogenicity. Review status: criteria provided, conflicting classifications (1 of 4 stars). 2 submissions from 2 submitters: Uncertain significance (1); Likely benign (1). Last evaluated 2025-08-22.

Conditions:
Inborn genetic diseases. Identifiers: MedGen C0950123, MeSH D030342.
Baller-Gerold syndrome (BGS). Also called: CRANIOSYNOSTOSIS WITH RADIAL DEFECTS. Identifiers: Orphanet 1225, MedGen C0265308, MONDO:0009039, OMIM 218600.

Allele frequency attached by ClinVar (database versions not stated): gnomAD below 0.00001 and 0.00001; gnomAD exomes 0.00001; TOPMed 0.00001.
gnomAD v4.1: 9 of 1,611,046 alleles (0.00056%); highest among the groups gnomAD compares: South Asian, 0.0055%; no homozygotes.

Submissions (2):

Ambry Genetics
Classification: Likely benign for Inborn genetic diseases. Last evaluated: 2025-08-22. Review status: criteria provided, single submitter. Criteria: Ambry Variant Classification Scheme 2023. Collection method: clinical testing. Allele origin: germline.

Labcorp Genetics (formerly Invitae), Labcorp
Classification: Uncertain significance for Baller-Gerold syndrome. Last evaluated: 2024-04-03. Review status: criteria provided, single submitter. Criteria: Invitae Variant Classification Sherloc (09022015). Collection method: clinical testing. Allele origin: germline.
Comment: This sequence change replaces proline, which is neutral and non-polar, with serine, which is neutral and polar, at codon 591 of the RECQL4 protein (p.Pro591Ser). This variant is present in population databases (no rsID available, gnomAD 0.007%). This variant has not been reported in the literature in individuals affected with RECQL4-related conditions. ClinVar contains an entry for this variant (Variation ID: 945689). Advanced modeling of protein sequence and biophysical properties (such as structural, functional, and spatial information, amino acid conservation, physicochemical variation, residue mobility, and thermodynamic stability) performed at Invitae indicates that this missense variant is not expected to disrupt RECQL4 protein function with a negative predictive value of 80%. In summary, the available evidence is currently insufficient to determine the role of this variant in disease. Therefore, it has been classified as a Variant of Uncertain Significance.

NM_004260.4(RECQL4):c.1771C>T (p.Pro591Ser)

Gene: RECQL4 (RecQ like helicase 4; minus strand). Cytogenetic location: 8q24.3.
Variant type: single nucleotide variant.
Coding change: c.1771C>T on transcript NM_004260.4 (MANE Select); coding-DNA position 1771, C replaced by T.
Protein change: p.Pro591Ser; replaces proline 591 with serine.
Molecular consequence: missense variant.
Genome position (GRCh38, 1-based): chr8:144,514,296, G>A on the plus strand (C>T on the coding strand, the complement: RECQL4 is on the minus strand). VCF-style: chr8-144514296-G-A. GRCh37 (hg19) VCF-style: chr8-145739680-G-A.
Other names: short protein forms P591S.
Identifiers: ClinVar variation 945689 (VCV000945689.8), dbSNP rs909777665, ClinGen allele CA187685141.